The following is an entry in ClinVar:

ClinVar aggregate classification (germline): Uncertain significance. Review status: criteria provided, multiple submitters, no conflicts (2 of 4 stars). 2 submissions from 2 submitters: Uncertain significance (2). Last evaluated 2024-05-30.

Conditions:
Fanconi anemia (FA). Also called: Fanconi's anemia. Identifiers: Orphanet 84, MedGen C0015625, MeSH D005199, MONDO:0019391.
Fanconi anemia complementation group D2. Also called: FANCD2-Related Fanconi Anemia; FANCONI PANCYTOPENIA, TYPE 4; FANCONI ANEMIA, COMPLEMENTATION GROUP D. Identifiers: Orphanet 84, MedGen C3160738, MONDO:0009214, OMIM 227646.

Allele frequency attached by ClinVar (database versions not stated): gnomAD 0.00001; ExAC 0.00002; gnomAD exomes 0.00002; TOPMed 0.00002.
gnomAD v4.1: 39 of 1,614,054 alleles (0.0024%); highest among the groups gnomAD compares: African/African-American, 0.004%; no homozygotes.

Submissions (2):

Fulgent Genetics
Classification: Uncertain significance for Fanconi anemia complementation group D2. Last evaluated: 2024-05-30. Review status: criteria provided, single submitter. Criteria: ACMG Guidelines, 2015. Collection method: clinical testing. Allele origin: germline.

Labcorp Genetics (formerly Invitae), Labcorp
Classification: Uncertain significance for Fanconi anemia. Last evaluated: 2022-04-24. Review status: criteria provided, single submitter. Criteria: Invitae Variant Classification Sherloc (09022015). Collection method: clinical testing. Allele origin: germline.
Comment: This sequence change replaces lysine, which is basic and polar, with arginine, which is basic and polar, at codon 13 of the FANCD2 protein (p.Lys13Arg). This variant is present in population databases (rs756078235, gnomAD 0.01%). This variant has not been reported in the literature in individuals affected with FANCD2-related conditions. ClinVar contains an entry for this variant (Variation ID: 1042387). Algorithms developed to predict the effect of missense changes on protein structure and function output the following: SIFT: "Tolerated"; PolyPhen-2: "Benign"; Align-GVGD: "Class C0". The arginine amino acid residue is found in multiple mammalian species, which suggests that this missense change does not adversely affect protein function. In summary, the available evidence is currently insufficient to determine the role of this variant in disease. Therefore, it has been classified as a Variant of Uncertain Significance.

NM_001018115.3(FANCD2):c.38A>G (p.Lys13Arg)

Gene: FANCD2 (FA complementation group D2; plus strand). Cytogenetic location: 3p25.3.
Variant type: single nucleotide variant.
Coding change: c.38A>G on transcript NM_001018115.3 (MANE Select); coding-DNA position 38, A replaced by G.
Protein change: p.Lys13Arg; replaces lysine 13 with arginine.
Molecular consequence: missense variant.
Genome position (GRCh38, 1-based): chr3:10,028,695, A>G. VCF-style: chr3-10028695-A-G. GRCh37 (hg19) VCF-style: chr3-10070379-A-G.
Other names: c.38A>G, p.Lys13Arg (NM_001319984.2, NM_001374253.1, NM_001374254.1 and 2 more transcripts); c.38A>G (NM_033084.4); short protein forms K13R.
Identifiers: ClinVar variation 1042387 (VCV001042387.5), dbSNP rs756078235, ClinGen allele CA2249077.